The following is an entry in ClinVar:

NM_014846.4(WASHC5):c.786C>T (p.Leu262=)

Gene: WASHC5 (WASH complex subunit 5; minus strand). Cytogenetic location: 8q24.13.
Variant type: single nucleotide variant.
Coding change: c.786C>T on transcript NM_014846.4 (MANE Select); coding-DNA position 786, C replaced by T.
Protein change: p.Leu262=; no amino-acid change (leucine 262 retained).
Molecular consequence: synonymous variant.
Genome position (GRCh38, 1-based): chr8:125,076,426, G>A on the plus strand (C>T on the coding strand, the complement: WASHC5 is on the minus strand). VCF-style: chr8-125076426-G-A. GRCh37 (hg19) VCF-style: chr8-126088668-G-A.
Other names: c.342C>T, p.Leu114= (NM_001330609.2).
Identifiers: ClinVar variation 2420772 (VCV002420772.7), dbSNP rs1563632601, ClinGen allele CA462771738.
Genomic context (GRCh38, chr8:125,076,426, plus strand): 5'-TTTATCCACTATCTCTCTCATTTTTGCTTGATGGGTGTGAAGGATGGAAGGCTCAAAGTA[G>A]AGAATCACGTACAGCATGGCAGCTTGGTTTGCCAGGGCTGTGCTGCGATGCTCCGGCAAA-3'
Protein context (NP_055661.3, residues 252-272): ANQAAMLYVI[Leu262=]YFEPSILHTH

ClinVar aggregate classification (germline): Uncertain significance (1 of 4 stars; one submission).

Conditions:
Ritscher-Schinzel syndrome. Also called: CRANIOCEREBELLOCARDIAC DYSPLASIA. Identifiers: Orphanet 7, MedGen C0796137, MONDO:0019078.
Hereditary spastic paraplegia 8 (SPG8). Also called: SPASTIC PARAPLEGIA 8, AUTOSOMAL DOMINANT. Identifiers: Orphanet 100989, MedGen C1863704, MONDO:0011339, OMIM 603563.

Allele frequency attached by ClinVar (database versions not stated): gnomAD exomes below 0.00001.
gnomAD v4.1: 1 of 1,613,990 alleles (0.000062%); highest among the groups gnomAD compares: Admixed American, 0.0017%; no homozygotes.

Submission:

Labcorp Genetics (formerly Invitae), Labcorp
Classification: Uncertain significance for Ritscher-Schinzel syndrome; Hereditary spastic paraplegia 8. Last evaluated: 2022-10-20. Review status: criteria provided, single submitter. Criteria: Invitae Variant Classification Sherloc (09022015). Collection method: clinical testing. Allele origin: germline.
Comment: This sequence change affects codon 262 of the WASHC5 mRNA. It is a 'silent' change, meaning that it does not change the encoded amino acid sequence of the WASHC5 protein. This variant is not present in population databases (gnomAD no frequency). This variant has not been reported in the literature in individuals affected with WASHC5-related conditions. Algorithms developed to predict the effect of sequence changes on RNA splicing suggest that this variant may create or strengthen a splice site. In summary, the available evidence is currently insufficient to determine the role of this variant in disease. Therefore, it has been classified as a Variant of Uncertain Significance.